The following is an entry in ClinVar:

NM_198578.4(LRRK2):c.2497A>G (p.Thr833Ala)

Gene: LRRK2 (leucine rich repeat kinase 2; plus strand). Cytogenetic location: 12q12.
Variant type: single nucleotide variant.
Coding change: c.2497A>G on transcript NM_198578.4 (MANE Select); coding-DNA position 2497, A replaced by G.
Protein change: p.Thr833Ala; replaces threonine 833 with alanine.
Molecular consequence: missense variant.
Genome position (GRCh38, 1-based): chr12:40,284,130, A>G. VCF-style: chr12-40284130-A-G. GRCh37 (hg19) VCF-style: chr12-40677932-A-G.
Other names: short protein forms T833A.
Identifiers: ClinVar variation 3229560 (VCV003229560.1), dbSNP rs776924292, ClinGen allele CA6513642.
Genomic context (GRCh38, chr12:40,284,130, plus strand): 5'-GTTGAACCTTCTTGGCTTGGTCCTTTATTTCCAGATAAGACTTCTAATTTAAGGAAACAA[A>G]CAAGTAAGTAACAAGGAGAATATTTTTTACAATTCTTATTTTTAATAGTATTTTTTTAAG-3'
Protein context (NP_940980.4, residues 823-843): PDKTSNLRKQ[Thr833Ala]NIASTLARMV

ClinVar aggregate classification (germline): Uncertain significance (1 of 4 stars; one submission).

Conditions:
Inborn genetic diseases. Identifiers: MedGen C0950123, MeSH D030342.

Allele frequency attached by ClinVar (database versions not stated): gnomAD exomes below 0.00001; TOPMed below 0.00001; ExAC 0.00002.
gnomAD v4.1: 5 of 1,607,288 alleles (0.00031%); highest among the groups gnomAD compares: Middle Eastern, 0.017%; no homozygotes.

Submission:

Ambry Genetics
Classification: Uncertain significance for Inborn genetic diseases. Last evaluated: 2024-03-08. Review status: criteria provided, single submitter. Criteria: Ambry Variant Classification Scheme 2023. Collection method: clinical testing. Allele origin: germline.
Comment: The p.T833A variant (also known as c.2497A>G), located in coding exon 19 of the LRRK2 gene, results from an A to G substitution at nucleotide position 2497. The threonine at codon 833 is replaced by alanine, an amino acid with similar properties. This amino acid position is conserved. In addition, this alteration is predicted to be tolerated by in silico analysis. Based on the available evidence, the clinical significance of this alteration remains unclear.